The following is an entry in ClinVar:

NM_205850.3(SLC24A5):c.560T>C (p.Leu187Pro)

Genes: MYEF2 (myelin expression factor 2; minus strand), SLC24A5 (solute carrier family 24 member 5; plus strand). Cytogenetic location: 15q21.1.
Variant type: single nucleotide variant.
Coding change: c.560T>C on transcript NM_205850.3 (MANE Select); coding-DNA position 560, T replaced by C.
Protein change: p.Leu187Pro; replaces leucine 187 with proline.
Molecular consequence: missense variant. On other transcripts: 3 prime UTR variant (2).
Genome position (GRCh38, 1-based): chr15:48,134,954, T>C. VCF-style: chr15-48134954-T-C. GRCh37 (hg19) VCF-style: chr15-48427151-T-C.
Other names: c.*7954A>G (NM_001301210.2, NM_016132.5); short protein forms L187P.
Identifiers: ClinVar variation 1978637 (VCV001978637.4), dbSNP rs2504598370, ClinGen allele CA392451053.

ClinVar aggregate classification (germline): Uncertain significance (1 of 4 stars; one submission).

Submission:

Labcorp Genetics (formerly Invitae), Labcorp
Classification: Uncertain significance. Last evaluated: 2022-03-18. Review status: criteria provided, single submitter. Criteria: Invitae Variant Classification Sherloc (09022015). Collection method: clinical testing. Allele origin: germline.
Comment: This variant has not been reported in the literature in individuals affected with SLC24A5-related conditions. This sequence change replaces leucine, which is neutral and non-polar, with proline, which is neutral and non-polar, at codon 187 of the SLC24A5 protein (p.Leu187Pro). This variant is not present in population databases (gnomAD no frequency). Algorithms developed to predict the effect of missense changes on protein structure and function are either unavailable or do not agree on the potential impact of this missense change (SIFT: "Deleterious"; PolyPhen-2: "Possibly Damaging"; Align-GVGD: "Class C0"). In summary, the available evidence is currently insufficient to determine the role of this variant in disease. Therefore, it has been classified as a Variant of Uncertain Significance.